The following is an entry in ClinVar:

ClinVar aggregate classification (germline): Conflicting classifications of pathogenicity. Review status: criteria provided, conflicting classifications (1 of 4 stars). 2 submissions from 2 submitters: Likely pathogenic (1); Likely benign (1). Last evaluated 2023-06-21.

Conditions:
Asphyxiating thoracic dystrophy 3. Also called: SHORT-RIB THORACIC DYSPLASIA 3 WITH OR WITHOUT POLYDACTYLY; POLYDACTYLY WITH NEONATAL CHONDRODYSTROPHY, TYPE I; SHORT-RIB THORACIC DYSPLASIA 3/6 WITH POLYDACTYLY, DIGENIC; Short rib polydactyly syndrome 2B; Saldino-Noonan Syndrome. Identifiers: Orphanet 474, Orphanet 93269, Orphanet 93270, Orphanet 93271, MedGen C0036069, MONDO:0013127, OMIM 613091.

gnomAD v4.1: 3 of 1,610,878 alleles (0.00019%); highest among the groups gnomAD compares: Non-Finnish European, 0.00017%; no homozygotes.

Submissions (2):

Blueprint Genetics
Classification: Likely benign. Last evaluated: 2023-06-21. Review status: criteria provided, single submitter. Criteria: ACMG Guidelines, 2015. Collection method: clinical testing. Allele origin: germline.

Laboratory of Functional Genomics, Research Centre for Medical Genetics
Classification: Likely pathogenic for Asphyxiating thoracic dystrophy 3. Review status: criteria provided, single submitter. Criteria: ACMG Guidelines, 2015. Collection method: clinical testing. Allele origin: paternal, maternal. Inheritance: Autosomal recessive inheritance. Affected: yes. Observed: 2 compound heterozygotes. Clinical features observed: Narrow chest (HP:0000774), Short ribs (HP:0000773), Disproportionate short-limb short stature (HP:0008873), Brachydactyly (HP:0001156), Respiratory insufficiency (HP:0002093).
Comment: The c.2386C>A variant was identified in two probands from unrelated families. RNA analysis of probands's fibroblasts revealed that the c.2386C>A variant induces two aberrant splicing events. The first, observed in 24% of transcripts, results in a shortened exon 17 and an in-frame deletion of 49 amino acids (p.Q783_R831del). The second, found in 34% of transcripts, causes complete exon 17 skipping, leading to a frameshift and a premature stop codon (p.Gln783Asnfs*4). According to the ACMG 2015 guidelines (criteria PM2, PS3), the c.2386C>A variant is classified as likely pathogenic.

NM_001377.3(DYNC2H1):c.2386C>A (p.Arg796=)

Gene: DYNC2H1 (dynein cytoplasmic 2 heavy chain 1; plus strand). Cytogenetic location: 11q22.3.
Variant type: single nucleotide variant.
Coding change: c.2386C>A on transcript NM_001377.3 (MANE Select); coding-DNA position 2386, C replaced by A.
Protein change: p.Arg796=; no amino-acid change (arginine 796 retained).
Molecular consequence: synonymous variant.
Genome position (GRCh38, 1-based): chr11:103,135,760, C>A. VCF-style: chr11-103135760-C-A. GRCh37 (hg19) VCF-style: chr11-103006489-C-A.
Other names: chr11:103135760C>A; c.2386C>A, p.Arg796= (NM_001080463.2).
Identifiers: ClinVar variation 4530603 (VCV004530603.2).